The following is an entry in ClinVar:

ClinVar aggregate classification (germline): Uncertain significance (1 of 4 stars; one submission).

Conditions:
Succinyl-CoA acetoacetate transferase deficiency (SCOTD). Also called: Succinyl CoA:3-oxoacid CoA transferase deficiency; 3-Oxoacid CoA Transferase Deficiency; KETOACIDOSIS DUE TO SCOT DEFICIENCY; SCOT DEFICIENCY; SUCCINYL-CoA:3-KETOACID CoA-TRANSFERASE DEFICIENCY. Identifiers: Orphanet 832, MedGen C0342792, MONDO:0009492, OMIM 245050.

Submission:

3billion
Classification: Uncertain significance for Succinyl-CoA acetoacetate transferase deficiency. Last evaluated: 2025-05-26. Review status: criteria provided, single submitter. Criteria: ACMG Guidelines, 2015. Collection method: clinical testing. Allele origin: germline. Affected: yes.
Comment: The variant is not observed in the gnomAD v4.1.0 dataset. Predicted Consequence/Location: Missense variant Damaging effect on gene or gene product predicted by in silico programs is uncertain [REVEL: 0.51 (damaging >=0.6, benign <0.4), 3Cnet: 0.30 (damaging >0.75, benign <0.1)]. A different missense change at the same codon (p.Val112Asp) has been reported to be associated with OXCT1-related disorder (PMID: 23420214). Therefore, this variant is classified as VUS according to the recommendation of ACMG/AMP guideline.

Literature cited by the submitters: PubMed 23420214.

NM_000436.4(OXCT1):c.334G>T (p.Val112Phe)

Gene: OXCT1 (3-oxoacid CoA-transferase 1; minus strand). Cytogenetic location: 5p13.1.
Variant type: single nucleotide variant.
Coding change: c.334G>T on transcript NM_000436.4 (MANE Select); coding-DNA position 334, G replaced by T.
Protein change: p.Val112Phe; replaces valine 112 with phenylalanine.
Molecular consequence: missense variant. On other transcripts: non-coding transcript variant (1).
Genome position (GRCh38, 1-based): chr5:41,853,499, C>A on the plus strand (G>T on the coding strand, the complement: OXCT1 is on the minus strand). VCF-style: chr5-41853499-C-A. GRCh37 (hg19) VCF-style: chr5-41853601-C-A.
Other names: c.334G>T, p.Val112Phe (NM_001364299.2, NM_001364301.2, NM_001364302.2); c.355G>T, p.Val119Phe (NM_001364300.2); short protein forms V112F, V119F.
Identifiers: ClinVar variation 4854447 (VCV004854447.1).